The following is an entry in ClinVar:

ClinVar aggregate classification (germline): Uncertain significance (1 of 4 stars; one submission).

gnomAD v4.1: 4 of 1,613,116 alleles (0.00025%); highest among the groups gnomAD compares: African/African-American, 0.0054%; no homozygotes.

Submission:

Labcorp Genetics (formerly Invitae), Labcorp
Classification: Uncertain significance. Last evaluated: 2025-10-08. Review status: criteria provided, single submitter. Criteria: Invitae Variant Classification Sherloc (09022015). Collection method: clinical testing. Allele origin: germline.
Comment: This sequence change replaces alanine, which is neutral and non-polar, with serine, which is neutral and polar, at codon 355 of the CCDC8 protein (p.Ala355Ser). The frequency data for this variant in the population databases is considered unreliable, as metrics indicate poor data quality at this position in the gnomAD database. This variant has not been reported in the literature in individuals affected with CCDC8-related conditions. An algorithm developed to predict the effect of missense changes on protein structure and function (PolyPhen-2) suggests that this variant is likely to be tolerated. In summary, the available evidence is currently insufficient to determine the role of this variant in disease. Therefore, it has been classified as a Variant of Uncertain Significance.

NM_032040.5(CCDC8):c.1063G>T (p.Ala355Ser)

Gene: CCDC8 (coiled-coil domain containing 8 subunit of 3M complex; minus strand). Cytogenetic location: 19q13.32.
Variant type: single nucleotide variant.
Coding change: c.1063G>T on transcript NM_032040.5 (MANE Select); coding-DNA position 1063, G replaced by T.
Protein change: p.Ala355Ser; replaces alanine 355 with serine.
Molecular consequence: missense variant.
Genome position (GRCh38, 1-based): chr19:46,411,748, C>A on the plus strand (G>T on the coding strand, the complement: CCDC8 is on the minus strand). VCF-style: chr19-46411748-C-A. GRCh37 (hg19) VCF-style: chr19-46915005-C-A.
Other names: short protein forms A355S.
Identifiers: ClinVar variation 4749846 (VCV004749846.1).